The following is an entry in ClinVar:

ClinVar aggregate classification (germline): Pathogenic. Review status: criteria provided, multiple submitters, no conflicts (2 of 4 stars). 3 submissions from 3 submitters: Pathogenic (3). Last evaluated 2023-02-07.

Conditions:
BAP1-related tumor predisposition syndrome (TPDS1). Also called: TUMOR PREDISPOSITION SYNDROME 1; BAP1 tumor predisposition syndrome; COMMON Syndrome; Tumor susceptibility linked to germline BAP1 mutations. Identifiers: Orphanet 289539, MedGen C3280492, MONDO:0013692, OMIM 614327.
Hereditary cancer-predisposing syndrome. Also called: Neoplastic Syndromes, Hereditary; Hereditary Cancer Syndrome; Tumor predisposition; Hereditary neoplastic syndrome. Identifiers: Orphanet 140162, MedGen C0027672, MeSH D009386, MONDO:0015356.

Submissions (3):

Labcorp Genetics (formerly Invitae), Labcorp
Classification: Pathogenic for BAP1-related tumor predisposition syndrome. Last evaluated: 2023-02-07. Review status: criteria provided, single submitter. Criteria: Invitae Variant Classification Sherloc (09022015). Collection method: clinical testing. Allele origin: germline.
Comment: This variant is not present in population databases (gnomAD no frequency). For these reasons, this variant has been classified as Pathogenic. ClinVar contains an entry for this variant (Variation ID: 545892). This premature translational stop signal has been observed in individual(s) with BAP1 tumor predisposition syndrome (Invitae). This sequence change creates a premature translational stop signal (p.Lys286Glnfs*21) in the BAP1 gene. It is expected to result in an absent or disrupted protein product. Loss-of-function variants in BAP1 are known to be pathogenic (PMID: 21874000, 23684012).

Color Diagnostics, LLC DBA Color Health
Classification: Pathogenic for Hereditary cancer-predisposing syndrome. Last evaluated: 2022-06-21. Review status: criteria provided, single submitter. Criteria: ACMG Guidelines, 2015. Collection method: clinical testing. Allele origin: germline.
Comment: This variant inserts 1 nucleotide in exon 10 of the BAP1 gene, creating a frameshift and premature translation stop signal. This variant is expected to result in an absent or non-functional protein product. To our knowledge, this variant has not been reported in individuals affected with hereditary cancer in the literature. This variant has not been identified in the general population by the Genome Aggregation Database (gnomAD). Loss of BAP1 function is a known mechanism of disease. Based on the available evidence, this variant is classified as Pathogenic.

GeneDx
Classification: Pathogenic. Last evaluated: 2018-03-29. Review status: criteria provided, single submitter. Criteria: GeneDx Variant Classification (06012015). Collection method: clinical testing. Allele origin: germline. Affected: yes.
Comment: This duplication of one nucleotide in BAP1 is denoted c.855dupC at the cDNA level and p.Lys286GlnfsX21 (K286QfsX21) at the protein level. The normal sequence, with the base that is duplicated in brackets, is AGTC[dupC]AAGT. The duplication causes a frameshift which changes a Lysine to a Glutamine at codon 286, and creates a premature stop codon at position 21 of the new reading frame. This variant is predicted to cause loss of normal protein function through either protein truncation or nonsense-mediated mRNA decay. BAP1 c.855dupC has not, to our knowledge, been published in the literature as a germline variant; however, it has been reported as a somatic variant in malignant mesothelioma and clear cell renal cancer (Lo Iacono 2015, De Rienzo 2015, Togo 2016). Based on currently available evidence, we consider this variant to be pathogenic.

Literature cited by the submitters: PubMed 21874000 (cited by Labcorp Genetics (formerly Invitae), Labcorp); PubMed 23684012 (cited by Labcorp Genetics (formerly Invitae), Labcorp).

NM_004656.4(BAP1):c.855dup (p.Lys286fs)

Gene: BAP1 (BRCA1 associated deubiquitinase 1; minus strand). Cytogenetic location: 3p21.1.
Variant type: Duplication.
Coding change: c.855dup on transcript NM_004656.4 (MANE Select); coding-DNA position 855, one base duplicated (C; older notation c.855dupC).
Protein change: p.Lys286fs; shifts the reading frame from lysine 286.
Molecular consequence: frameshift variant.
Genome position (GRCh38, 1-based): chr3:52,405,841, G duplicated on the plus strand (C on the coding strand, the reverse complement: BAP1 is on the minus strand); the first of 2 consecutive G bases (chr3:52,405,841-52,405,842); duplicating either gives the same sequence. VCF-style (leftmost placement, unchanged base first): chr3-52405840-T-TG. GRCh37 (hg19) VCF-style: chr3-52439856-T-TG.
Other names: c.855dupC (NM_004656.3); short protein forms K286fs.
Identifiers: ClinVar variation 545892 (VCV000545892.7), dbSNP rs1553645486, ClinGen allele CA645529948.